The following is an entry in ClinVar:

ClinVar aggregate classification (germline): Likely pathogenic (1 of 4 stars; one submission).

Submission:

Labcorp Genetics (formerly Invitae), Labcorp
Classification: Likely pathogenic. Last evaluated: 2023-08-10. Review status: criteria provided, single submitter. Criteria: Invitae Variant Classification Sherloc (09022015). Collection method: clinical testing. Allele origin: germline.
Comment: In summary, the currently available evidence indicates that the variant is pathogenic, but additional data are needed to prove that conclusively. Therefore, this variant has been classified as Likely Pathogenic. Algorithms developed to predict the effect of sequence changes on RNA splicing suggest that this variant may disrupt the consensus splice site. ClinVar contains an entry for this variant (Variation ID: 1481076). This variant has not been reported in the literature in individuals affected with PPP3CA-related conditions. This variant is not present in population databases (gnomAD no frequency). This sequence change affects a donor splice site in intron 2 of the PPP3CA gene. It is expected to disrupt RNA splicing. Variants that disrupt the donor or acceptor splice site typically lead to a loss of protein function (PMID: 16199547), and loss-of-function variants in PPP3CA are known to be pathogenic (PMID: 30254215, 30951195).

Literature cited by the submitters: PubMed 16199547; PubMed 30254215; PubMed 30951195.

NM_000944.5(PPP3CA):c.259+1G>T

Gene: PPP3CA (protein phosphatase 3 catalytic subunit alpha; minus strand). Cytogenetic location: 4q24.
Variant type: single nucleotide variant.
Coding change: c.259+1G>T on transcript NM_000944.5 (MANE Select); the canonical splice donor site of the intron after coding-DNA position 259, G replaced by T.
Molecular consequence: splice donor variant.
Genome position (GRCh38, 1-based): chr4:101,195,915, C>A on the plus strand (G>T on the coding strand, the complement: PPP3CA is on the minus strand). VCF-style: chr4-101195915-C-A. GRCh37 (hg19) VCF-style: chr4-102117072-C-A.
Other names: c.259+1G>T (NM_001130692.2, NM_001130691.2).
Identifiers: ClinVar variation 1481076 (VCV001481076.8), dbSNP rs2110190526, ClinGen allele CA357950709.